The following is an entry in ClinVar:

NM_031220.4(PITPNM3):c.*3541C>T

Gene: PITPNM3 (PITPNM family member 3; minus strand). Cytogenetic location: 17p13.2.
Variant type: single nucleotide variant.
Coding change: c.*3541C>T on transcript NM_031220.4 (MANE Select); 3541 bases downstream of the stop codon, C replaced by T.
Molecular consequence: 3 prime UTR variant.
Genome position (GRCh38, 1-based): chr17:6,451,797, G>A on the plus strand (C>T on the coding strand, the complement: PITPNM3 is on the minus strand). VCF-style: chr17-6451797-G-A. GRCh37 (hg19) VCF-style: chr17-6355117-G-A.
Other names: c.*3541C>T (NM_001165966.2).
Identifiers: ClinVar variation 324660 (VCV000324660.5), dbSNP rs142047814, ClinGen allele CA10649872.

ClinVar aggregate classification (germline): Benign (1 of 4 stars; one submission).

Conditions:
Cone-rod dystrophy 5 (CORD5). Identifiers: Orphanet 1872, MedGen C1832976, MONDO:0010969, OMIM 600977.

Allele frequency attached by ClinVar (database versions not stated): 1000 Genomes Project 0.00339; 1000 Genomes Project 30x 0.00344; gnomAD 0.00511; TOPMed 0.00556.

Submission:

Illumina Laboratory Services, Illumina
Classification: Benign for Cone-rod dystrophy 5. Last evaluated: 2018-01-13. Review status: criteria provided, single submitter. Criteria: ICSL Variant Classification Criteria 13 December 2019. Collection method: clinical testing. Allele origin: germline.
Comment: This variant was observed in the ICSL laboratory as part of a predisposition screen in an ostensibly healthy population. It had not been previously curated by ICSL or reported in the Human Gene Mutation Database (HGMD: prior to June 1st, 2018), and was therefore a candidate for classification through an automated scoring system. Utilizing variant allele frequency, disease prevalence and penetrance estimates, and inheritance mode, an automated score was calculated to assess if this variant is too frequent to cause the disease. Based on the score and internal cut-off values, a variant classified as benign is not then subjected to further curation. The score for this variant resulted in a classification of benign for this disease.